The following is an entry in ClinVar:

NM_181703.4(GJA5):c.985C>G (p.Pro329Ala)

Gene: GJA5 (gap junction protein alpha 5; minus strand). Cytogenetic location: 1q21.2.
Variant type: single nucleotide variant.
Coding change: c.985C>G on transcript NM_181703.4 (MANE Select); coding-DNA position 985, C replaced by G.
Protein change: p.Pro329Ala; replaces proline 329 with alanine.
Molecular consequence: missense variant.
Genome position (GRCh38, 1-based): chr1:147,758,254, G>C on the plus strand (C>G on the coding strand, the complement: GJA5 is on the minus strand). VCF-style: chr1-147758254-G-C. GRCh37 (hg19) VCF-style: chr1-147230362-G-C.
Other names: c.985C>G, p.Pro329Ala (NM_005266.7); short protein forms P329A.
Identifiers: ClinVar variation 4794892 (VCV004794892.1).

ClinVar aggregate classification (germline): Uncertain significance (1 of 4 stars; one submission).

Conditions:
Atrial fibrillation, familial, 11 (ATFB11). Identifiers: MedGen C3279693, MONDO:0013544, OMIM 614049.
Atrial standstill 1 (ATRST1). Also called: ATRIAL CARDIOMYOPATHY WITH HEART BLOCK; CARDIOMYOPATHY, FAMILIAL, WITH CONDUCTION DISTURBANCE; Atrial standstill, digenic (GJA5/SCN5A). Identifiers: Orphanet 1344, MedGen C4551959, MONDO:0007171, OMIM 108770.

gnomAD v4.1: 1 of 1,614,092 alleles (0.000062%); highest among the groups gnomAD compares: Non-Finnish European, 0.000085%; no homozygotes.

Submission:

Labcorp Genetics (formerly Invitae), Labcorp
Classification: Uncertain significance for Atrial fibrillation, familial, 11; Atrial standstill 1. Last evaluated: 2025-11-26. Review status: criteria provided, single submitter. Criteria: Invitae Variant Classification Sherloc (09022015). Collection method: clinical testing. Allele origin: germline.
Comment: This sequence change replaces proline, which is neutral and non-polar, with alanine, which is neutral and non-polar, at codon 329 of the GJA5 protein (p.Pro329Ala). This variant is not present in population databases (gnomAD no frequency). This variant has not been reported in the literature in individuals affected with GJA5-related conditions. An algorithm developed to predict the effect of missense changes on protein structure and function outputs the following: PolyPhen-2: "Benign". The alanine amino acid residue is found in multiple mammalian species, which suggests that this missense change does not adversely affect protein function. In summary, the available evidence is currently insufficient to determine the role of this variant in disease. Therefore, it has been classified as a Variant of Uncertain Significance.